The following is an entry in ClinVar:

ClinVar aggregate classification (germline): Conflicting classifications of pathogenicity. Review status: criteria provided, conflicting classifications (1 of 4 stars). 4 submissions from 4 submitters: Uncertain significance (2); Likely benign (1). 1 of the submissions does not count toward it. Last evaluated 2026-05-04.

Conditions:
Recessive dystrophic epidermolysis bullosa (RDEB). Also called: Hallopeau-Siemens Disease; Recessive DEB (RDEB); epidermolysis bullosa dystrophica, autosomal recessive; Epidermolysis Bullosa Distrophica Autosomal Recessive (RDEB); EPIDERMOLYSIS BULLOSA DYSTROPHICA, GENERALIZED SEVERE, AUTOSOMAL RECESSIVE; DYSTROPHIC EPIDERMOLYSIS BULLOSA, AUTOSOMAL RECESSIVE. Identifiers: Orphanet 79408, Orphanet 79409, MedGen C0079474, MONDO:0009179, OMIM 226600.
Epidermolysis bullosa dystrophica. Also called: Dystrophic epidermolysis bullosa; Dystrophic epidermolysis bullosa, Hallopeau-Siemens type (formerly). Identifiers: Orphanet 303, MedGen C0079294, MONDO:0006543.

Allele frequency attached by ClinVar (database versions not stated): gnomAD 0.00012 and 0.00010; TOPMed 0.00012; ExAC 0.00016; gnomAD exomes 0.00019 and 0.00004; 1000 Genomes Project 30x 0.00078; 1000 Genomes Project 0.00080.
gnomAD v4.1: 77 of 1,614,090 alleles (0.0048%); highest among the groups gnomAD compares: East Asian, 0.12%; 1 homozygote.

Submissions (4):

Myriad Genetics, Inc.
Classification: Uncertain significance for Recessive dystrophic epidermolysis bullosa. Last evaluated: 2026-05-04. Review status: criteria provided, single submitter. Criteria: Myriad Autosomal Dominant, Autosomal Recessive and X-Linked Classification Criteria (2023). Collection method: clinical testing. Allele origin: unknown.
Comment: NM_000094.3(COL7A1):c.8095G>A(E2699K) is a missense variant classified as a variant of uncertain significance in the context of dystrophic epidermolysis bullosa. E2699K has not been observed in cases with relevant disease. Relevant functional assessments of this variant are not available in the literature. E2699K has been observed in referenced population frequency databases. In summary, there is insufficient evidence to classify NM_000094.3(COL7A1):c.8095G>A(E2699K) as pathogenic or benign. Please note: this variant was assessed in the context of healthy population screening.

Labcorp Genetics (formerly Invitae), Labcorp
Classification: Likely benign. Last evaluated: 2026-01-22. Review status: criteria provided, single submitter. Criteria: Invitae Variant Classification Sherloc (09022015). Collection method: clinical testing. Allele origin: germline.

Illumina Laboratory Services, Illumina
Classification: Uncertain significance for Dystrophic epidermolysis bullosa. Last evaluated: 2018-01-13. Review status: criteria provided, single submitter. Criteria: ICSL Variant Classification Criteria 13 December 2019. Collection method: clinical testing. Allele origin: germline.

Natera, Inc.
Classification: Likely benign for Dystrophic epidermolysis bullosa. Last evaluated: 2020-06-04. Review status: no assertion criteria provided. Collection method: clinical testing. Allele origin: germline. Not counted in ClinVar's aggregate classification.

NM_000094.4(COL7A1):c.8095G>A (p.Glu2699Lys)

Gene: COL7A1 (collagen type VII alpha 1 chain; minus strand). Cytogenetic location: 3p21.31.
Variant type: single nucleotide variant.
Coding change: c.8095G>A on transcript NM_000094.4 (MANE Select); coding-DNA position 8095, G replaced by A.
Protein change: p.Glu2699Lys; replaces glutamic acid 2699 with lysine.
Molecular consequence: missense variant.
Genome position (GRCh38, 1-based): chr3:48,567,142, C>T on the plus strand (G>A on the coding strand, the complement: COL7A1 is on the minus strand). VCF-style: chr3-48567142-C-T. GRCh37 (hg19) VCF-style: chr3-48604575-C-T.
Other names: short protein forms E2699K.
Identifiers: ClinVar variation 345799 (VCV000345799.16), dbSNP rs200938473, ClinGen allele CA2378166.